The following is an entry in ClinVar:

ClinVar aggregate classification (germline): Uncertain significance. Review status: criteria provided, multiple submitters, no conflicts (2 of 4 stars). 2 submissions from 2 submitters: Uncertain significance (2). Last evaluated 2025-04-23.

Conditions:
Hereditary cancer-predisposing syndrome. Also called: Hereditary Cancer Syndrome; Hereditary neoplastic syndrome; Neoplastic Syndromes, Hereditary; Tumor predisposition. Identifiers: Orphanet 140162, MedGen C0027672, MeSH D009386, MONDO:0015356.
Peutz-Jeghers syndrome (PJS). Also called: POLYPOSIS, HAMARTOMATOUS INTESTINAL; POLYPS-AND-SPOTS SYNDROME; Peutz-Jeghers polyposis; Periorificial lentiginosis syndrome. Identifiers: Orphanet 2869, MedGen C0031269, MeSH D010580, MONDO:0008280, OMIM 175200.

Submissions (2):

Labcorp Genetics (formerly Invitae), Labcorp
Classification: Uncertain significance for Peutz-Jeghers syndrome. Last evaluated: 2025-04-23. Review status: criteria provided, single submitter. Criteria: Invitae Variant Classification Sherloc (09022015). Collection method: clinical testing. Allele origin: germline.
Comment: This sequence change falls in intron 3 of the STK11 gene. It does not directly change the encoded amino acid sequence of the STK11 protein. This variant is not present in population databases (gnomAD no frequency). This variant has not been reported in the literature in individuals affected with STK11-related conditions. ClinVar contains an entry for this variant (Variation ID: 1332511). Algorithms developed to predict the effect of sequence changes on RNA splicing suggest that this variant may disrupt the consensus splice site. In summary, the available evidence is currently insufficient to determine the role of this variant in disease. Therefore, it has been classified as a Variant of Uncertain Significance.

Color Diagnostics, LLC DBA Color Health
Classification: Uncertain significance for Hereditary cancer-predisposing syndrome. Last evaluated: 2021-05-17. Review status: criteria provided, single submitter. Criteria: ACMG Guidelines, 2015. Collection method: clinical testing. Allele origin: germline.
Comment: This variant causes a C to G nucleotide substitution at the -6 position of intron 3 of the STK11 gene. To our knowledge, functional studies have not been reported for this variant. This variant has not been reported in individuals affected with hereditary cancer in the literature. This variant has not been identified in the general population by the Genome Aggregation Database (gnomAD). The available evidence is insufficient to determine the role of this variant in disease conclusively. Therefore, this variant is classified as a Variant of Uncertain Significance.

NM_000455.5(STK11):c.465-6C>G

Gene: STK11 (serine/threonine kinase 11; plus strand). Cytogenetic location: 19p13.3.
Variant type: single nucleotide variant.
Coding change: c.465-6C>G on transcript NM_000455.5 (MANE Select); 6 bases into the intron before coding-DNA position 465, C replaced by G.
Molecular consequence: intron variant.
Genome position (GRCh38, 1-based): chr19:1,220,367, C>G. VCF-style: chr19-1220367-C-G. GRCh37 (hg19) VCF-style: chr19-1220366-C-G.
Identifiers: ClinVar variation 1332511 (VCV001332511.3), dbSNP rs376448795, ClinGen allele CA2573054710.
Genomic context (GRCh38, chr19:1,220,367, plus strand): 5'-TGCAAAGGGGACCCCTGTGAGGGGCAGGGAGGCCTCGGCCCCAGGACGGGTGTGTGCTGC[C>G]CGCAGGTACTTCTGTCAGCTGATTGACGGCCTGGAGTACCTGCATAGCCAGGGCATTGTG-3'